The following is an entry in ClinVar:

ClinVar aggregate classification (germline): Conflicting classifications of pathogenicity. Review status: criteria provided, conflicting classifications (1 of 4 stars). 9 submissions from 9 submitters: Pathogenic (2); Likely pathogenic (5); Uncertain significance (1). 1 of the submissions does not count toward it. Last evaluated 2026-02-13.

Conditions:
Perrault syndrome. Also called: Gonadal dysgenesis with auditory dysfunction, autosomal recessive inheritance. Identifiers: Orphanet 2855, MedGen C0685838, MONDO:0017312.
Bifunctional peroxisomal enzyme deficiency (DBIF). Also called: PBFE DEFICIENCY; DBP DEFICIENCY; D-bifunctional protein deficiency. Identifiers: Orphanet 300, MedGen C0342870, MONDO:0009855, OMIM 261515. Disease mechanism: loss of function.
Perrault syndrome 1 (PRLTS1). Also called: GONADAL DYSGENESIS, XX TYPE, WITH DEAFNESS; OVARIAN DYSGENESIS WITH SENSORINEURAL DEAFNESS. Identifiers: Orphanet 2855, Orphanet 642945, MedGen C4551721, MONDO:0009300, OMIM 233400.

Allele frequency attached by ClinVar (database versions not stated): gnomAD exomes 0.00001 and 0.00003; ExAC 0.00002; gnomAD 0.00002; TOPMed 0.00002.
gnomAD v4.1: 13 of 1,612,546 alleles (0.00081%); highest among the groups gnomAD compares: East Asian, 0.0045%; no homozygotes.

Submissions (9):

OLLIN Analises Genomicas, OLLIN
Classification: Likely pathogenic for Perrault syndrome 1. Last evaluated: 2026-02-13. Review status: criteria provided, single submitter. Criteria: ACMG Guidelines 2015 PMID 25741868. Collection method: clinical testing. Allele origin: germline. Observed: 1 variant allele.
Comment: PM2_P, PM3_S, PP1, PP3_M

Natera, Inc.
Classification: Likely pathogenic for Bifunctional peroxisomal enzyme deficiency. Last evaluated: 2025-09-04. Review status: criteria provided, single submitter. Criteria: Natera Variant Classification Schema (03/2026). Collection method: clinical testing. Allele origin: germline.
Comment: The c.394C>T variant in HSD17B4 is a missense variant predicted to cause substitution of arginine to tryptophan at amino acid 132. This variant is rare in the general population with a frequency below the threshold expected for the associated phenotype(s). This variant has been observed in one or more individuals affected with the associated recessive disease, as either homozygous or compound heterozygous with a second variant (PMID: 30561787, 27243974, 34660840). Computational prediction algorithms indicate this variant is likely to affect gene or protein function. Given the available evidence, this variant is classified as Likely Pathogenic.

Baylor Genetics
Classification: Likely pathogenic for Bifunctional peroxisomal enzyme deficiency. Last evaluated: 2024-02-04. Review status: criteria provided, single submitter. Criteria: ACMG Guidelines, 2015. Collection method: clinical testing. Allele origin: unknown.

Labcorp Genetics (formerly Invitae), Labcorp
Classification: Pathogenic for Perrault syndrome; Bifunctional peroxisomal enzyme deficiency. Last evaluated: 2023-11-05. Review status: criteria provided, single submitter. Criteria: Invitae Variant Classification Sherloc (09022015). Collection method: clinical testing. Allele origin: germline.
Comment: This sequence change replaces arginine, which is basic and polar, with tryptophan, which is neutral and slightly polar, at codon 132 of the HSD17B4 protein (p.Arg132Trp). This variant is present in population databases (rs773305477, gnomAD 0.01%). This missense change has been observed in individual(s) with D-bifunctional protein deficiency and/or Perrault syndrome (PMID: 16385454, 28017249, 34660840). In at least one individual the data is consistent with being in trans (on the opposite chromosome) from a pathogenic variant. ClinVar contains an entry for this variant (Variation ID: 554818). Advanced modeling of protein sequence and biophysical properties (such as structural, functional, and spatial information, amino acid conservation, physicochemical variation, residue mobility, and thermodynamic stability) has been performed at Invitae for this missense variant, however the output from this modeling did not meet the statistical confidence thresholds required to predict the impact of this variant on HSD17B4 protein function. For these reasons, this variant has been classified as Pathogenic.

Women's Health and Genetics/Laboratory Corporation of America, LabCorp
Classification: Pathogenic for Bifunctional peroxisomal enzyme deficiency. Last evaluated: 2022-05-13. Review status: criteria provided, single submitter. Criteria: LabCorp Variant Classification Summary - May 2015. Collection method: clinical testing. Allele origin: germline.
Comment: Variant summary: HSD17B4 c.394C>T (p.Arg132Trp) results in a non-conservative amino acid change located in the 3-hydroxyacyl-CoA dehydrogenase domain (Matsukawa_2017) and dimerization of two nucleotide-binding domains (Ferdinandusse_2005) of the encoded protein sequence. Five of five in-silico tools predict a damaging effect of the variant on protein function. The variant allele was found at a frequency of 2.8e-05 in 251292 control chromosomes (gnomAD). c.394C>T has been reported in the literature in multiple compound heterozygous and homozygous individuals affected with D-Bifunctional Protein Deficiency (Ferdinandusse_2005, Yubero+2016, Matsukawa_2016, Alshenaifi_2018, Yamamoto_2021) and this variant co-segregated with the disease (Matsukawa_2016, Yamamoto_2021). These data indicate that the variant is very likely to be associated with disease. To our knowledge, no experimental evidence demonstrating an impact on protein function has been reported. Three ClinVar submitters (evaluation after 2014) cite the variant as uncertain significance, likely pathogenic and pathogenic. Based on the evidence outlined above, the variant was classified as pathogenic.

Athena Diagnostics
Classification: Likely pathogenic. Last evaluated: 2020-12-02. Review status: criteria provided, single submitter. Criteria: Athena Diagnostics Criteria. Collection method: clinical testing. Allele origin: unknown.
Comment: The frequency of this variant in the general population is consistent with pathogenicity for a recessive disorder. This variant is statistically more frequent in affected individuals than in the general population and/or healthy controls (PMID: 16385454, 28017249, 27243974). Computational tools yielded predictions that this amino acid change may be damaging to the protein.

Eurofins Ntd Llc (ga)
Classification: Uncertain significance. Last evaluated: 2018-06-06. Review status: criteria provided, single submitter. Criteria: EGL ClinVar v180209 classification definitions. Collection method: clinical testing. Allele origin: germline. Observed: 1 variant allele, 1 heterozygote.

Juno Genomics, Hangzhou Juno Genomics, Inc
Classification: Likely pathogenic for Bifunctional peroxisomal enzyme deficiency; Perrault syndrome 1. Review status: criteria provided, single submitter. Criteria: ACMG Guidelines, 2015. Collection method: clinical testing. Allele origin: germline.
Comment: Absent from controls (or at extremely low frequency if recessive) in Genome Aggregation Database.;Multiple lines of computational evidence support a deleterious effect on the gene or gene product.;For recessive disorders, detected in trans with a pathogenic variant.;Patient's phenotype or family history is highly specific for a disease with a single genetic etiology.

Counsyl
Classification: Likely pathogenic for Bifunctional peroxisomal enzyme deficiency. Last evaluated: 2017-11-14. Review status: no assertion criteria provided. Collection method: clinical testing. Allele origin: unknown. Not counted in ClinVar's aggregate classification.

Literature cited by the submitters: PubMed 30561787 (cited by Natera, Inc. and Women's Health and Genetics/Laboratory Corporation of America, LabCorp); PubMed 27243974 (cited by 4 submitters); PubMed 34660840 (cited by 3 submitters); PubMed 16385454 (cited by 4 submitters); PubMed 28017249 (cited by 4 submitters); PubMed 32042923 (cited by Women's Health and Genetics/Laboratory Corporation of America, LabCorp).

NM_000414.4(HSD17B4):c.394C>T (p.Arg132Trp)

Gene: HSD17B4 (hydroxysteroid 17-beta dehydrogenase 4; plus strand). Cytogenetic location: 5q23.1.
Variant type: single nucleotide variant.
Coding change: c.394C>T on transcript NM_000414.4 (MANE Select); coding-DNA position 394, C replaced by T.
Protein change: p.Arg132Trp; replaces arginine 132 with tryptophan.
Molecular consequence: missense variant. On other transcripts: 5 prime UTR variant (1).
Genome position (GRCh38, 1-based): chr5:119,477,461, C>T. VCF-style: chr5-119477461-C-T. GRCh37 (hg19) VCF-style: chr5-118813156-C-T.
Other names: c.469C>T, p.Arg157Trp (NM_001199291.3); c.340C>T, p.Arg114Trp (NM_001199292.2); c.322C>T, p.Arg108Trp (NM_001292027.2); c.-18C>T (NM_001292028.2); c.469C>T (NM_001199291.1); short protein forms R132W, R108W, R157W, R114W.
Identifiers: ClinVar variation 554818 (VCV000554818.18), dbSNP rs773305477, ClinGen allele CA3381820.